The following is an entry in ClinVar:

NM_016938.5(EFEMP2):c.553C>T (p.Arg185Cys)

Gene: EFEMP2 (EGF-like fibulin extracellular matrix protein 2; minus strand). Cytogenetic location: 11q13.1.
Variant type: single nucleotide variant.
Coding change: c.553C>T on transcript NM_016938.5 (MANE Select); coding-DNA position 553, C replaced by T.
Protein change: p.Arg185Cys; replaces arginine 185 with cysteine.
Molecular consequence: missense variant. On other transcripts: non-coding transcript variant (1).
Genome position (GRCh38, 1-based): chr11:65,870,175, G>A on the plus strand (C>T on the coding strand, the complement: EFEMP2 is on the minus strand). VCF-style: chr11-65870175-G-A. GRCh37 (hg19) VCF-style: chr11-65637646-G-A.
Other names: short protein forms R185C.
Identifiers: ClinVar variation 1748189 (VCV001748189.5), dbSNP rs775164905, ClinGen allele CA6110619.

ClinVar aggregate classification (germline): Uncertain significance. Review status: criteria provided, multiple submitters, no conflicts (2 of 4 stars). 2 submissions from 2 submitters: Uncertain significance (2). Last evaluated 2025-10-05.

Conditions:
Cutis laxa, autosomal recessive, type 1B (ARCL1B). Also called: CUTIS LAXA, AUTOSOMAL RECESSIVE, TYPE IB; EFEMP2-Related Cutis Laxa. Identifiers: Orphanet 90349, MedGen C3280798, MONDO:0013754, OMIM 614437. Disease mechanism: loss of function.
Cardiovascular phenotype. Identifiers: MedGen CN230736.

Allele frequency attached by ClinVar (database versions not stated): gnomAD exomes 0.00001; ExAC 0.00002; TOPMed 0.00002.
gnomAD v4.1: 7 of 1,613,824 alleles (0.00043%); highest among the groups gnomAD compares: African/African-American, 0.0013%; no homozygotes.

Submissions (2):

Ambry Genetics
Classification: Uncertain significance for Cardiovascular phenotype. Last evaluated: 2025-10-05. Review status: criteria provided, single submitter. Criteria: Ambry Variant Classification Scheme 2023. Collection method: clinical testing. Allele origin: germline.
Comment: The p.R185C variant (also known as c.553C>T), located in coding exon 5 of the EFEMP2 gene, results from a C to T substitution at nucleotide position 553. The arginine at codon 185 is replaced by cysteine, an amino acid with highly dissimilar properties. This amino acid position is conserved. In addition, the in silico prediction for this alteration is inconclusive. Since supporting evidence is limited at this time, the clinical significance of this alteration remains unclear.

Labcorp Genetics (formerly Invitae), Labcorp
Classification: Uncertain significance for Cutis laxa, autosomal recessive, type 1B. Last evaluated: 2024-11-10. Review status: criteria provided, single submitter. Criteria: Invitae Variant Classification Sherloc (09022015). Collection method: clinical testing. Allele origin: germline.
Comment: This sequence change replaces arginine, which is basic and polar, with cysteine, which is neutral and slightly polar, at codon 185 of the EFEMP2 protein (p.Arg185Cys). This variant is present in population databases (rs775164905, gnomAD 0.007%). This variant has not been reported in the literature in individuals affected with EFEMP2-related conditions. ClinVar contains an entry for this variant (Variation ID: 1748189). Invitae Evidence Modeling of protein sequence and biophysical properties (such as structural, functional, and spatial information, amino acid conservation, physicochemical variation, residue mobility, and thermodynamic stability) has been performed for this missense variant. However, the output from this modeling did not meet the statistical confidence thresholds required to predict the impact of this variant on EFEMP2 protein function. In summary, the available evidence is currently insufficient to determine the role of this variant in disease. Therefore, it has been classified as a Variant of Uncertain Significance.